The following is an entry in ClinVar:

NM_000416.3(IFNGR1):c.1265A>G (p.His422Arg)

Gene: IFNGR1 (interferon gamma receptor 1; minus strand). Cytogenetic location: 6q23.3.
Variant type: single nucleotide variant.
Coding change: c.1265A>G on transcript NM_000416.3 (MANE Select); coding-DNA position 1265, A replaced by G.
Protein change: p.His422Arg; replaces histidine 422 with arginine.
Molecular consequence: missense variant.
Genome position (GRCh38, 1-based): chr6:137,198,236, T>C on the plus strand (A>G on the coding strand, the complement: IFNGR1 is on the minus strand). VCF-style: chr6-137198236-T-C. GRCh37 (hg19) VCF-style: chr6-137519373-T-C.
Other names: c.1235A>G, p.His412Arg (NM_001363526.1); c.1142A>G, p.His381Arg (NM_001363527.1); short protein forms H412R, H381R, H422R.
Identifiers: ClinVar variation 1365850 (VCV001365850.8), dbSNP rs1023656962, ClinGen allele CA148224061.

ClinVar aggregate classification (germline): Uncertain significance (1 of 4 stars; one submission).

Conditions:
Disseminated atypical mycobacterial infection. Identifiers: MedGen C0694566.

Allele frequency attached by ClinVar (database versions not stated): gnomAD exomes below 0.00001; gnomAD 0.00001.
gnomAD v4.1: 3 of 1,614,048 alleles (0.00019%); highest among the groups gnomAD compares: Admixed American, 0.005%; no homozygotes.

Submission:

Labcorp Genetics (formerly Invitae), Labcorp
Classification: Uncertain significance for Disseminated atypical mycobacterial infection. Last evaluated: 2022-10-04. Review status: criteria provided, single submitter. Criteria: Invitae Variant Classification Sherloc (09022015). Collection method: clinical testing. Allele origin: germline.
Comment: In summary, the available evidence is currently insufficient to determine the role of this variant in disease. Therefore, it has been classified as a Variant of Uncertain Significance. Algorithms developed to predict the effect of sequence changes on RNA splicing suggest that this variant may create or strengthen a splice site. Advanced modeling of protein sequence and biophysical properties (such as structural, functional, and spatial information, amino acid conservation, physicochemical variation, residue mobility, and thermodynamic stability) performed at Invitae indicates that this missense variant is not expected to disrupt IFNGR1 protein function. ClinVar contains an entry for this variant (Variation ID: 1365850). This sequence change replaces histidine, which is basic and polar, with arginine, which is basic and polar, at codon 422 of the IFNGR1 protein (p.His422Arg). This variant is present in population databases (no rsID available, gnomAD 0.003%). This variant has not been reported in the literature in individuals affected with IFNGR1-related conditions.